The following is an entry in ClinVar:

ClinVar aggregate classification (germline): Pathogenic. Review status: reviewed by expert panel (3 of 4 stars). 6 submissions from 6 submitters: Pathogenic (1). 5 of the submissions do not count toward it. Last evaluated 2023-12-30.

Conditions:
PAH-related disorder. Also called: PAH-related condition.
Phenylketonuria (PKU). Also called: Phenylketonuria (PKU); FOLLING DISEASE; OLIGOPHRENIA PHENYLPYRUVICA; Phenylketonurias. Identifiers: Orphanet 716, MedGen C0031485, MONDO:0009861, OMIM 261600. Disease mechanism: loss of function.

Allele frequency attached by ClinVar (database versions not stated): gnomAD 0.00001.
gnomAD v4.1: 1 of 1,613,410 alleles (0.000062%); highest among the groups gnomAD compares: Non-Finnish European, 0.000085%; no homozygotes.

Submissions (6):

ClinGen PAH Variant Curation Expert Panel
Classification: Pathogenic for Phenylketonuria. Last evaluated: 2023-12-30. Review status: reviewed by expert panel. Criteria: ClinGen PAH ACMG Specifications v1. Collection method: curation. Allele origin: germline. Inheritance: Autosomal recessive inheritance.
Comment: The NM_000277.1(PAH):c.922C>T (p.Leu308Phe) variant is a missense variant in exon 9/13 of PAH. The variant has been found to lead to 47% of wild-type enzyme activity in an intron-included (Intinc) system (PMID: 18590700) and is listed as having 49% of wild-type enzyme activity in BioPKU (ID PAH0362), consistent with a published report in a prokaryotic system (PMID: 16091306; PMID: 15557004). It has been found in at least seven PKU patients, including in trans with other Pathogenic or Likely Pathogenic variants and among patients with BH4 deficiency excluded (PM3_VeryStrong (6 points total); PP4_Moderate). It has been found in trans with the p.R261Q variant (Pathogenic in ClinVar and by ClinGen PAH VCEP) in a patient with classic PKU (plasma Phe >1200 umol/L) with BH4 deficiency excluded by urine pterin profile and blood dihydropteridine reductase (DHPR) activity (PMID: 15557004; PMID: 14726806). It has also been noted in at least 3 Swedish PKU patients detected by NBS (PMID: 27469133). The variant has been previously reported in 3 Chinese PKU patients with BH4 deficiency excluded by dihydropteridine reductase activity, urinary biopterin and neopterin ratio: one with mild hyperphenylalanemia in trans with p.S70del (Pathogenic in ClinVar and by ClinGen PAH VCEP); one with mild PKU in trans with p.Q232* (Pathogenic in ClinVar); and one with mild PKU in trans with with c.442-1G>A (Pathogenic in ClinVar and by ClinGen PAH VCEP) (PMID: 30050108). It has been noted in 2 Czech patients with mild PKU, one with p.R252W and one with p.P281L; neither parental testing or exclusion of BH4 deficiency were noted (PMID: 23357515). The variant is absent from ethnically diverse control databases, including gnomAD/ExAC, 1000 Genomes, and ESP (PM2_supporting). The variant is predicted damaging by multiple in-silico missense predictors, including REVEL (REVEL score 0.892) (PP3).

Natera, Inc.
Classification: Likely pathogenic for Phenylketonuria. Last evaluated: 2025-05-12. Review status: criteria provided, single submitter. Criteria: Natera Variant Classification Schema (03/2026). Collection method: clinical testing. Allele origin: germline. Not counted in ClinVar's aggregate classification.
Comment: The c.922C>T variant in PAH is a missense variant predicted to cause substitution of leucine to phenylalanine at amino acid 308. This variant is rare in the general population with a frequency below the threshold expected for the associated phenotype(s). This variant has been observed in one or more individuals affected with the associated recessive disease, as either homozygous or compound heterozygous with a second variant (PMID: 14726806, 23357515, 30050108). Computational prediction algorithms indicate this variant is likely to affect gene or protein function. Given the available evidence, this variant is classified as Likely Pathogenic.

Women's Health and Genetics/Laboratory Corporation of America, LabCorp
Classification: Pathogenic for Phenylketonuria. Last evaluated: 2024-09-20. Review status: criteria provided, single submitter. Criteria: LabCorp Variant Classification Summary - May 2015. Collection method: clinical testing. Allele origin: germline. Not counted in ClinVar's aggregate classification.
Comment: Variant summary: PAH c.922C>T (p.Leu308Phe) results in a non-conservative amino acid change located in the Aromatic amino acid hydroxylase, C-terminal domain (IPR019774) of the encoded protein sequence. Five of five in-silico tools predict a damaging effect of the variant on protein function. The variant was absent in 251284 control chromosomes. c.922C>T has been reported in the literature in multiple compound heterozygous individuals affected with Phenylalanine Hydroxylase Deficiency (Phenylketonuria) or Hyperphenylalaninemia (e.g. Li_2018, Erlandsen_2004, Wang_2018). These data indicate that the variant is very likely to be associated with disease. At least one publication reports experimental evidence evaluating an impact on protein function. The most pronounced variant effect results in approximately 50% of normal activity in a prokaryotic system (Erlandsen_2004). The following publications have been ascertained in the context of this evaluation (PMID: 15557004, 30050108, 29499199). ClinVar contains an entry for this variant (Variation ID: 102896). Based on the evidence outlined above, the variant was classified as pathogenic.

Baylor Genetics
Classification: Likely pathogenic for Phenylketonuria. Last evaluated: 2022-11-10. Review status: criteria provided, single submitter. Criteria: ACMG Guidelines, 2015. Collection method: clinical testing. Allele origin: unknown. Not counted in ClinVar's aggregate classification.

PreventionGenetics, part of Exact Sciences
Classification: Pathogenic for PAH-related condition. Last evaluated: 2024-05-02. Review status: no assertion criteria provided. Collection method: clinical testing. Allele origin: germline. Not counted in ClinVar's aggregate classification.
Comment: The PAH c.922C>T variant is predicted to result in the amino acid substitution p.Leu308Phe. This variant has been reported along with a second PAH variant in multiple individuals with hyperphenylalaninemia (HPA) and/or phenylketonuria (PKU) (Matalon et al. 2004. PubMed ID: 14726806; Réblová et al. 2013. PubMed ID: 23357515; Li et al. 2018. PubMed ID: 30050108; Hillert et al. 2020. PubMed ID: 32668217). In vitro functional studies have demonstrated that this variant results in a partial loss of function while retaining residual enzymatic activity of ~47-49% compared to wild type (Erlandsen et al. 2004. PubMed ID: 15557004; Ho et al. 2008. PubMed ID: 18590700). This variant has not been reported in the gnomAD database and has been interpreted as pathogenic by the ClinGen PAH Variant Curation Expert Panel. Another missense variant at the same amino acid residue (p.Leu308Val) has also been reported in individuals with PAH-related disease (Ho et al. 2008. PubMed ID: 18590700). Taken together, the p.Leu308Phe variant is interpreted as pathogenic.

DeBelle Laboratory for Biochemical Genetics, MUHC/MCH RESEARCH INSTITUTE
No classification provided. Review status: no classification provided. Collection method: not provided. Allele origin: not provided. Not counted in ClinVar's aggregate classification.

Literature cited by the submitters: PubMed 14726806 (cited by ClinGen PAH Variant Curation Expert Panel and Natera, Inc.); PubMed 23357515 (cited by Natera, Inc.); PubMed 30050108 (cited by Natera, Inc. and Women's Health and Genetics/Laboratory Corporation of America, LabCorp); PubMed 29499199 (cited by Women's Health and Genetics/Laboratory Corporation of America, LabCorp); PubMed 15557004 (cited by Women's Health and Genetics/Laboratory Corporation of America, LabCorp).

NM_000277.3(PAH):c.922C>T (p.Leu308Phe)

Gene: PAH (phenylalanine hydroxylase; minus strand). Cytogenetic location: 12q23.2.
Variant type: single nucleotide variant.
Coding change: c.922C>T on transcript NM_000277.3 (MANE Select); coding-DNA position 922, C replaced by T.
Protein change: p.Leu308Phe; replaces leucine 308 with phenylalanine.
Molecular consequence: missense variant.
Genome position (GRCh38, 1-based): chr12:102,846,942, G>A on the plus strand (C>T on the coding strand, the complement: PAH is on the minus strand). VCF-style: chr12-102846942-G-A. GRCh37 (hg19) VCF-style: chr12-103240720-G-A.
Other names: NM_000277.1(PAH):c.922C>T; p.Leu308Phe; c.922C>T, p.Leu308Phe (NM_001354304.2); c.922C>T (NM_000277.2); short protein forms L308F.
Identifiers: ClinVar variation 102896 (VCV000102896.5), dbSNP rs62642095, ClinGen allele CA229851.